The following is an entry in ClinVar:

ClinVar aggregate classification (germline): Uncertain significance (1 of 4 stars; one submission).

Submission:

Women's Health and Genetics/Laboratory Corporation of America, LabCorp
Classification: Uncertain significance. Last evaluated: 2024-08-28. Review status: criteria provided, single submitter. Criteria: LabCorp Variant Classification Summary - May 2015. Collection method: clinical testing. Allele origin: germline.
Comment: Variant summary: ETFDH c.1327T>C (p.Trp443Arg) results in a non-conservative amino acid change in the encoded protein sequence. Five of five in-silico tools predict a damaging effect of the variant on protein function. The variant was absent in 251304 control chromosomes. The available data on variant occurrences in the general population are insufficient to allow any conclusion about variant significance. c.1327T>C has been reported in the literature in individuals affected with Glutaric Aciduria, Type 2c (Wen_2022). These report(s) do not provide unequivocal conclusions about association of the variant with Glutaric Aciduria, Type 2c. To our knowledge, no experimental evidence demonstrating an impact on protein function has been reported. The following publication have been ascertained in the context of this evaluation (PMID: 34718578). No submitters have cited clinical-significance assessments for this variant to ClinVar. Based on the evidence outlined above, the variant was classified as uncertain significance.

Literature cited by the submitters: PubMed 34718578.

NM_004453.4(ETFDH):c.1327T>C (p.Trp443Arg)

Gene: ETFDH (electron transfer flavoprotein dehydrogenase; plus strand). Cytogenetic location: 4q32.1.
Variant type: single nucleotide variant.
Coding change: c.1327T>C on transcript NM_004453.4 (MANE Select); coding-DNA position 1327, T replaced by C.
Protein change: p.Trp443Arg; replaces tryptophan 443 with arginine.
Molecular consequence: missense variant.
Genome position (GRCh38, 1-based): chr4:158,706,230, T>C. VCF-style: chr4-158706230-T-C. GRCh37 (hg19) VCF-style: chr4-159627382-T-C.
Other names: c.1186T>C, p.Trp396Arg (NM_001281737.2); c.1144T>C, p.Trp382Arg (NM_001281738.1); short protein forms W382R, W396R, W443R.
Identifiers: ClinVar variation 3366446 (VCV003366446.1).